The following is an entry in ClinVar:

ClinVar aggregate classification (germline): Pathogenic/Likely pathogenic. Review status: criteria provided, multiple submitters, no conflicts (2 of 4 stars). 5 submissions from 5 submitters: Pathogenic (4); Likely pathogenic (1). Last evaluated 2022-03-31.

Conditions:
KRIT1-related disorder. Also called: KRIT1-related condition; KRIT1-related disorders.
Cerebral cavernous malformation (CCM). Also called: Cerebral cavernous malformations; Cerebral cavernous hemangioma (type); CAVERNOUS ANGIOMA, FAMILIAL; CAVERNOUS ANGIOMATOUS MALFORMATIONS; Cavernous Hemangioma of Brain; CEREBRAL CAPILLARY MALFORMATIONS. Identifiers: Orphanet 221061, MedGen C2919945, MONDO:0000820, OMIM 116860, HP:0033522.

Submissions (5):

Victorian Clinical Genetics Services, Murdoch Childrens Research Institute
Classification: Pathogenic for Cerebral cavernous malformation. Last evaluated: 2022-03-31. Review status: criteria provided, single submitter. Criteria: ACMG Guidelines, 2015. Collection method: clinical testing. Allele origin: germline. Inheritance: Autosomal dominant inheritance. Affected: yes.
Comment: Based on the classification scheme VCGS_Germline_v1.3.4, this variant is classified as Pathogenic. Following criteria are met: 0102 - Loss of function is a known mechanism of disease in this gene and is associated with cavernous malformations of CNS and retina, cerebral cavernous malformations-1 (CCM) and hyperkeratotic cutaneous capillary-venous malformations associated with cerebral capillary malformations (MIM#116860). (I) 0107 - This gene is associated with autosomal dominant disease. (I) 0112 - The condition associated with this gene has incomplete penetrance. This has been reported for variants resulting in familial CCM (PMID: 16571644, OMIM). (I) 0115 - Variants in this gene are known to have variable expressivity. Intrafamilial and interfamilial variability have been reported for variants causing CCM (PMID: 29593473). (I) 0201 - Variant is predicted to cause nonsense-mediated decay (NMD) and loss of protein (premature termination codon is located at least 54 nucleotides upstream of the final exon-exon junction). (SP) 0251 - This variant is heterozygous. (I) 0301 - Variant is absent from gnomAD (both v2 and v3). (SP) 0701 - Other NMD predicted variants comparable to the one identified in this case have very strong previous evidence for pathogenicity (DECIPHER). (SP) 0802 - This variant has moderate previous evidence of pathogenicity in unrelated individuals. This variant has been observed in three unrelated individuals by clinical laboratories in ClinVar and in another family with cerebral cavernous malformations in the literature (PMID: 30161288). (SP) 0903 - This variant has limited evidence for segregation with disease. This variant has been observed in three affected siblings and their affected mother (PMID: 30161288). (SP) 1208 - Inheritance information for this variant is not currently available in this individual. (I) Legend: (SP) - Supporting pathogenic, (I) - Information, (SB) - Supporting benign

Blueprint Genetics
Classification: Pathogenic for KRIT1-related disorders. Last evaluated: 2021-03-31. Review status: criteria provided, single submitter. Criteria: ACMG Guidelines, 2015. Collection method: clinical testing. Allele origin: germline. Affected: yes. Observed: 4 variant alleles.

CeGaT Center for Human Genetics Tuebingen
Classification: Pathogenic. Last evaluated: 2018-01-01. Review status: criteria provided, single submitter. Criteria: CeGaT Center For Human Genetics Tuebingen Variant Classification Criteria Version 2. Collection method: clinical testing. Allele origin: germline. Affected: yes. Observed: 1 variant allele.

PreventionGenetics, part of Exact Sciences
Classification: Likely pathogenic. Last evaluated: 2017-10-31. Review status: criteria provided, single submitter. Criteria: ACMG Guidelines, 2015. Collection method: clinical testing. Allele origin: germline.

GeneDx
Classification: Pathogenic. Last evaluated: 2015-03-25. Review status: criteria provided, single submitter. Criteria: GeneDx Variant Classification (06012015). Collection method: clinical testing. Allele origin: germline. Affected: yes.
Comment: The c.1524_1528delAAGAA pathogenic variant in the KRIT1 gene causes a frameshift starting with codon Arginine 510, changes this amino acid to a Cysteine residue and creates a premature Stop codon at position 8 of the new reading frame, denoted p.Arg510CysfsX8. This variant is predicted to cause loss of normal protein function either through protein truncation or nonsense-mediated mRNA decay. Although this variant has not been previously reported to our knowledge, we interpret it as pathogenic.

Literature cited by the submitters: PubMed 16571644 (cited by Victorian Clinical Genetics Services, Murdoch Childrens Research Institute); PubMed 29593473 (cited by Victorian Clinical Genetics Services, Murdoch Childrens Research Institute); PubMed 30161288 (cited by Victorian Clinical Genetics Services, Murdoch Childrens Research Institute).

NM_194454.3(KRIT1):c.1524_1528del (p.Arg510fs)

Gene: KRIT1 (KRIT1 ankyrin repeat containing; minus strand). Cytogenetic location: 7q21.2.
Variant type: Deletion.
Coding change: c.1524_1528del on transcript NM_194454.3 (MANE Select); coding-DNA positions 1524 to 1528, 5 bases deleted (AAGAA; older notation c.1524_1528delAAGAA).
Protein change: p.Arg510fs; shifts the reading frame from arginine 510.
Molecular consequence: frameshift variant.
Genome position (GRCh38, 1-based): chr7:92,221,937-92,221,941, TTCTT deleted on the plus strand (AAGAA on the coding strand, the reverse complement: KRIT1 is on the minus strand). VCF-style (leftmost placement, unchanged base first): chr7-92221936-CTTCTT-C. GRCh37 (hg19) VCF-style: chr7-91851250-CTTCTT-C.
Other names: c.1524_1528delAAGAA (NM_194456.1); c.1380_1384del, p.Arg462fs (NM_001013406.2, NM_001350669.1, NM_001350670.1); c.810_814del, p.Arg272fs (NM_001350671.1); c.1524_1528del, p.Arg510fs (NM_001350672.1, NM_001350673.1, NM_001350674.1 and 26 more transcripts); short protein forms R510fs, R462fs, R272fs.
Identifiers: ClinVar variation 372399 (VCV000372399.46), dbSNP rs1057517754, ClinGen allele CA16042726.